The following is an entry in ClinVar:

NM_006306.4(SMC1A):c.2526G>A (p.Val842=)

Gene: SMC1A (structural maintenance of chromosomes 1A; minus strand). Cytogenetic location: Xp11.22.
Variant type: single nucleotide variant.
Coding change: c.2526G>A on transcript NM_006306.4 (MANE Select); coding-DNA position 2526, G replaced by A.
Protein change: p.Val842=; no amino-acid change (valine 842 retained).
Molecular consequence: synonymous variant.
Genome position (GRCh38, 1-based): chrX:53,399,625, C>T on the plus strand (G>A on the coding strand, the complement: SMC1A is on the minus strand). VCF-style: chrX-53399625-C-T. GRCh37 (hg19) VCF-style: chrX-53426547-C-T.
Other names: c.2460G>A, p.Val820= (NM_001281463.1).
Identifiers: ClinVar variation 3061646 (VCV003061646.5), dbSNP rs1366369809, ClinGen allele CA516559213.
Genomic context (GRCh38, chrX:53,399,625, plus strand): 5'-TCTTTTAATTCTTTCCTTCCTTACCTTTTTGAGCTTTTCTATCTCATTTTCATCTTTTTT[C>T]ACTGTCTGCTCCCACATGTGTACTTTATCTTGGTCCTCCTTCAGTTGGTTCTTTTCAAAA-3'
Protein context (NP_006297.2, residues 832-852): QDKVHMWEQT[Val842=]KKDENEIEKL

ClinVar aggregate classification (germline): Likely benign. Review status: criteria provided, multiple submitters, no conflicts (2 of 4 stars). 3 submissions from 3 submitters: Likely benign (2). 1 of the submissions does not count toward it. Last evaluated 2024-10-03.

Conditions:
SMC1A-related disorder. Also called: SMC1A-related condition.
Congenital muscular hypertrophy-cerebral syndrome (CDLS2). Also called: Cornelia de Lange syndrome 2; SMC1A-Related Cornelia de Lange Syndrome. Identifiers: Orphanet 199, MedGen C1802395, MONDO:0010370, OMIM 300590.

Allele frequency attached by ClinVar (database versions not stated): gnomAD exomes below 0.00001; gnomAD 0.00001; TOPMed 0.00002.
gnomAD v4.1: 3 of 1,207,036 alleles (0.00025%); highest among the groups gnomAD compares: Non-Finnish European, 0.00034%; no homozygotes.

Submissions (3):

Labcorp Genetics (formerly Invitae), Labcorp
Classification: Likely benign for Congenital muscular hypertrophy-cerebral syndrome. Last evaluated: 2024-10-03. Review status: criteria provided, single submitter. Criteria: Invitae Variant Classification Sherloc (09022015). Collection method: clinical testing. Allele origin: germline.

Blueprint Genetics
Classification: Likely benign. Last evaluated: 2020-02-19. Review status: criteria provided, single submitter. Criteria: ACMG Guidelines, 2015. Collection method: clinical testing. Allele origin: germline.

PreventionGenetics, part of Exact Sciences
Classification: Likely benign for SMC1A-related condition. Last evaluated: 2021-12-28. Review status: no assertion criteria provided. Collection method: clinical testing. Allele origin: germline. Not counted in ClinVar's aggregate classification.
Comment: This variant is classified as likely benign based on ACMG/AMP sequence variant interpretation guidelines (Richards et al. 2015 PMID: 25741868, with internal and published modifications).